The following is an entry in ClinVar:

NM_017509.4(KLK15):c.706C>G (p.Pro236Ala)

Gene: KLK15 (kallikrein related peptidase 15; minus strand). Cytogenetic location: 19q13.33.
Variant type: single nucleotide variant.
Coding change: c.706C>G on transcript NM_017509.4 (MANE Select); coding-DNA position 706, C replaced by G.
Protein change: p.Pro236Ala; replaces proline 236 with alanine.
Molecular consequence: missense variant. On other transcripts: 3 prime UTR variant (1), non-coding transcript variant (1).
Genome position (GRCh38, 1-based): chr19:50,825,861, G>C on the plus strand (C>G on the coding strand, the complement: KLK15 is on the minus strand). VCF-style: chr19-50825861-G-C. GRCh37 (hg19) VCF-style: chr19-51329117-G-C.
Other names: c.703C>G, p.Pro235Ala (NM_001277081.2); c.*83C>G (NM_001277082.2); short protein forms P235A, P236A.
Identifiers: ClinVar variation 2650364 (VCV002650364.24), dbSNP rs528884067, ClinGen allele CA9603938.

ClinVar aggregate classification (germline): Likely benign (1 of 4 stars; one submission).

Allele frequency attached by ClinVar (database versions not stated): TOPMed 0.00004; gnomAD 0.00038; ExAC 0.00108; 1000 Genomes Project 30x 0.00125; 1000 Genomes Project 0.00160.
gnomAD v4.1: 790 of 1,613,928 alleles (0.049%); highest among the groups gnomAD compares: South Asian, 0.83%; 20 homozygotes.

Submission:

CeGaT Center for Human Genetics Tuebingen
Classification: Likely benign. Last evaluated: 2023-04-01. Review status: criteria provided, single submitter. Criteria: CeGaT Center For Human Genetics Tuebingen Variant Classification Criteria Version 2. Collection method: clinical testing. Allele origin: germline. Affected: yes. Observed: 1 variant allele.
Comment: KLK15: BS2